The following is an entry in ClinVar:

NM_000030.3(AGXT):c.433del (p.Gln145fs)

Gene: AGXT (alanine--glyoxylate aminotransferase; plus strand). Cytogenetic location: 2q37.3.
Variant type: Deletion.
Coding change: c.433del on transcript NM_000030.3 (MANE Select); coding-DNA position 433, one base deleted (C; older notation c.433delC).
Protein change: p.Gln145fs; shifts the reading frame from glutamine 145.
Molecular consequence: frameshift variant.
Genome position (GRCh38, 1-based): chr2:240,871,358, C deleted; the last of 3 consecutive C bases (chr2:240,871,356-240,871,358); deleting any one gives the same sequence. VCF-style (leftmost placement, unchanged base first): chr2-240871355-GC-G. GRCh37 (hg19) VCF-style: chr2-241810772-GC-G.
Other names: short protein forms Q145fs.
Identifiers: ClinVar variation 2675085 (VCV002675085.4), dbSNP rs2528744408, ClinGen allele CA2695197711.

ClinVar aggregate classification (germline): Pathogenic/Likely pathogenic. Review status: criteria provided, multiple submitters, no conflicts (2 of 4 stars). 2 submissions from 2 submitters: Pathogenic (1); Likely pathogenic (1). Last evaluated 2023-08-02.

Conditions:
Primary hyperoxaluria, type I (HP1). Also called: OXALOSIS I; Primary hyperoxaluria type 1; GLYCOLIC ACIDURIA; HEPATIC AGT DEFICIENCY. Identifiers: Orphanet 416, Orphanet 93598, MedGen C0268164, MONDO:0009823, OMIM 259900. Disease mechanism: loss of function.

Submissions (2):

Baylor Genetics
Classification: Likely pathogenic for Primary hyperoxaluria, type I. Last evaluated: 2023-08-02. Review status: criteria provided, single submitter. Criteria: ACMG Guidelines, 2015. Collection method: clinical testing. Allele origin: unknown.

Labcorp Genetics (formerly Invitae), Labcorp
Classification: Pathogenic. Last evaluated: 2023-05-22. Review status: criteria provided, single submitter. Criteria: Invitae Variant Classification Sherloc (09022015). Collection method: clinical testing. Allele origin: germline.
Comment: For these reasons, this variant has been classified as Pathogenic. This variant has not been reported in the literature in individuals affected with AGXT-related conditions. This variant is not present in population databases (gnomAD no frequency). This sequence change creates a premature translational stop signal (p.Gln145Serfs*9) in the AGXT gene. It is expected to result in an absent or disrupted protein product. Loss-of-function variants in AGXT are known to be pathogenic (PMID: 19479957).

Literature cited by the submitters: PubMed 19479957 (cited by Labcorp Genetics (formerly Invitae), Labcorp).